The following is an entry in ClinVar:

NM_031433.4(MFRP):c.349C>A (p.Pro117Thr)

Genes: C1QTNF5 (C1q and TNF related 5; minus strand), MFRP (membrane frizzled-related protein; minus strand). Cytogenetic location: 11q23.3.
Variant type: single nucleotide variant.
Coding change: c.349C>A on transcript NM_031433.4 (MANE Select); coding-DNA position 349, C replaced by A.
Protein change: p.Pro117Thr; replaces proline 117 with threonine.
Molecular consequence: missense variant. On other transcripts: 5 prime UTR variant (1).
Genome position (GRCh38, 1-based): chr11:119,345,851, G>T on the plus strand (C>A on the coding strand, the complement: MFRP is on the minus strand). VCF-style: chr11-119345851-G-T. GRCh37 (hg19) VCF-style: chr11-119216561-G-T.
Other names: c.-2288C>A (NM_015645.5); short protein forms P117T.
Identifiers: ClinVar variation 1995938 (VCV001995938.4), dbSNP rs755624004, ClinGen allele CA382978913.

ClinVar aggregate classification (germline): Uncertain significance (1 of 4 stars; one submission).

Conditions:
Isolated microphthalmia 5. Also called: Posterior Microphthalmia with Retinitis Pigmentosa, Foveoschisis, and Optic Disc Drusen. Identifiers: Orphanet 251279, MedGen C1970236, MONDO:0012605, OMIM 611040.

Allele frequency attached by ClinVar (database versions not stated): TOPMed 0.00001; gnomAD 0.00001.
gnomAD v4.1: 2 of 1,613,778 alleles (0.00012%); highest among the groups gnomAD compares: African/African-American, 0.0013%; no homozygotes.

Submission:

Labcorp Genetics (formerly Invitae), Labcorp
Classification: Uncertain significance for Isolated microphthalmia 5. Last evaluated: 2022-11-01. Review status: criteria provided, single submitter. Criteria: Invitae Variant Classification Sherloc (09022015). Collection method: clinical testing. Allele origin: germline.
Comment: In summary, the available evidence is currently insufficient to determine the role of this variant in disease. Therefore, it has been classified as a Variant of Uncertain Significance. Advanced modeling of protein sequence and biophysical properties (such as structural, functional, and spatial information, amino acid conservation, physicochemical variation, residue mobility, and thermodynamic stability) performed at Invitae indicates that this missense variant is not expected to disrupt MFRP protein function. This variant has not been reported in the literature in individuals affected with MFRP-related conditions. This variant is not present in population databases (gnomAD no frequency). This sequence change replaces proline, which is neutral and non-polar, with threonine, which is neutral and polar, at codon 117 of the MFRP protein (p.Pro117Thr).